The following is an entry in ClinVar:

ClinVar aggregate classification (germline): Benign/Likely benign. Review status: criteria provided, multiple submitters, no conflicts (2 of 4 stars). 6 submissions from 6 submitters: Benign (4); Likely benign (2). Last evaluated 2026-06-01.

Conditions:
Developmental and epileptic encephalopathy, 69. Also called: EPILEPTIC ENCEPHALOPATHY, EARLY INFANTILE, 69. Identifiers: MedGen C4748988, MONDO:0032657, OMIM 618285.

Allele frequency attached by ClinVar (database versions not stated): ESP Exome Variant Server 0.00008; gnomAD exomes 0.00020; 1000 Genomes Project 30x 0.00078; 1000 Genomes Project 0.00080.
gnomAD v4.1: 300 of 1,613,988 alleles (0.019%); highest among the groups gnomAD compares: South Asian, 0.15%; 4 homozygotes.

Submissions (6):

CeGaT Center for Human Genetics Tuebingen
Classification: Likely benign. Last evaluated: 2026-06-01. Review status: criteria provided, single submitter. Criteria: CeGaT Center For Human Genetics Tuebingen Variant Classification Criteria Version 2. Collection method: clinical testing. Allele origin: germline. Affected: yes. Observed: 2 variant alleles.
Comment: CACNA1E: BS1

Labcorp Genetics (formerly Invitae), Labcorp
Classification: Benign. Last evaluated: 2026-02-03. Review status: criteria provided, single submitter. Criteria: Invitae Variant Classification Sherloc (09022015). Collection method: clinical testing. Allele origin: germline.

Blueprint Genetics
Classification: Likely benign. Last evaluated: 2023-08-23. Review status: criteria provided, single submitter. Criteria: ACMG Guidelines, 2015. Collection method: clinical testing. Allele origin: germline.

Genome-Nilou Lab
Classification: Benign for Developmental and epileptic encephalopathy, 69. Last evaluated: 2023-04-11. Review status: criteria provided, single submitter. Criteria: ACMG Guidelines, 2015. Collection method: clinical testing. Allele origin: germline. Affected: no.

GeneDx
Classification: Benign. Last evaluated: 2021-08-14. Review status: criteria provided, single submitter. Criteria: GeneDx Variant Classification Process June 2021. Collection method: clinical testing. Allele origin: germline. Affected: yes.

Breakthrough Genomics
Classification: Benign. Review status: criteria provided, single submitter. Criteria: ACMG Guidelines, 2015. Collection method: not provided. Allele origin: germline. Inheritance: Autosomal dominant inheritance. Affected: yes.

NM_001205293.3(CACNA1E):c.2776G>A (p.Val926Ile)

Gene: CACNA1E (calcium voltage-gated channel subunit alpha1 E; plus strand). Cytogenetic location: 1q25.3.
Variant type: single nucleotide variant.
Coding change: c.2776G>A on transcript NM_001205293.3 (MANE Select); coding-DNA position 2776, G replaced by A.
Protein change: p.Val926Ile; replaces valine 926 with isoleucine.
Molecular consequence: missense variant.
Genome position (GRCh38, 1-based): chr1:181,732,862, G>A. VCF-style: chr1-181732862-G-A. GRCh37 (hg19) VCF-style: chr1-181701998-G-A.
Other names: c.2719G>A, p.Val907Ile (NM_001205294.2); c.2776G>A, p.Val926Ile (NM_000721.4); short protein forms V907I, V926I.
Identifiers: ClinVar variation 1302882 (VCV001302882.18), dbSNP rs370910420, ClinGen allele CA1275405.